The following is an entry in ClinVar:

ClinVar aggregate classification (germline): Uncertain significance (1 of 4 stars; one submission).

Conditions:
Autosomal recessive ataxia, Beauce type. Also called: SYNE1-Related Autosomal Recessive Cerebellar Ataxia; Spinocerebellar ataxia, autosomal recessive 8; ATAXIA, RECESSIVE, OF BEAUCE; SYNE1 Deficiency. Identifiers: Orphanet 88644, MedGen C1853116, MONDO:0012549, OMIM 610743.
Emery-Dreifuss muscular dystrophy 4, autosomal dominant (EDMD4). Also called: EMERY-DREIFUSS MUSCULAR DYSTROPHY 4 WITH VARIABLE FEATURES. Identifiers: Orphanet 261, MedGen C2751807, MONDO:0013071, OMIM 612998.

gnomAD v4.1: 28 of 1,612,830 alleles (0.0017%); highest among the groups gnomAD compares: Non-Finnish European, 0.0024%; no homozygotes.

Submission:

Labcorp Genetics (formerly Invitae), Labcorp
Classification: Uncertain significance for Emery-Dreifuss muscular dystrophy 4, autosomal dominant; Autosomal recessive ataxia, Beauce type. Last evaluated: 2025-09-14. Review status: criteria provided, single submitter. Criteria: Invitae Variant Classification Sherloc (09022015). Collection method: clinical testing. Allele origin: germline.
Comment: This sequence change replaces alanine, which is neutral and non-polar, with valine, which is neutral and non-polar, at codon 4915 of the SYNE1 protein (p.Ala4915Val). This variant is present in population databases (rs778889290, gnomAD 0.003%). This variant has not been reported in the literature in individuals affected with SYNE1-related conditions. An algorithm developed to predict the effect of missense changes on protein structure and function (PolyPhen-2) suggests that this variant is likely to be tolerated. In summary, the available evidence is currently insufficient to determine the role of this variant in disease. Therefore, it has been classified as a Variant of Uncertain Significance.

NM_182961.4(SYNE1):c.14957C>T (p.Ala4986Val)

Gene: SYNE1 (spectrin repeat containing nuclear envelope protein 1; minus strand). Cytogenetic location: 6q25.2.
Variant type: single nucleotide variant.
Coding change: c.14957C>T on transcript NM_182961.4 (MANE Select); coding-DNA position 14957, C replaced by T.
Protein change: p.Ala4986Val; replaces alanine 4986 with valine.
Molecular consequence: missense variant.
Genome position (GRCh38, 1-based): chr6:152,326,632, G>A on the plus strand (C>T on the coding strand, the complement: SYNE1 is on the minus strand). VCF-style: chr6-152326632-G-A. GRCh37 (hg19) VCF-style: chr6-152647767-G-A.
Other names: c.14744C>T, p.Ala4915Val (NM_033071.5); short protein forms A4915V, A4986V.
Identifiers: ClinVar variation 4783019 (VCV004783019.1).